The following is an entry in ClinVar:

NM_004714.3(DYRK1B):c.429G>A (p.Lys143=)

Gene: DYRK1B (dual specificity tyrosine phosphorylation regulated kinase 1B; minus strand). Cytogenetic location: 19q13.2.
Variant type: single nucleotide variant.
Coding change: c.429G>A on transcript NM_004714.3 (MANE Select); coding-DNA position 429, G replaced by A.
Protein change: p.Lys143=; no amino-acid change (lysine 143 retained).
Molecular consequence: synonymous variant.
Genome position (GRCh38, 1-based): chr19:39,829,971, C>T on the plus strand (G>A on the coding strand, the complement: DYRK1B is on the minus strand). VCF-style: chr19-39829971-C-T. GRCh37 (hg19) VCF-style: chr19-40320611-C-T.
Other names: c.429G>A, p.Lys143= (NM_006483.3, NM_006484.3); c.429G>A (NM_004714.2).
Identifiers: ClinVar variation 1936513 (VCV001936513.6), dbSNP rs776537297, ClinGen allele CA9434320.

ClinVar aggregate classification (germline): Likely benign. Review status: criteria provided, single submitter (1 of 4 stars). 2 submissions from 2 submitters: Likely benign (1). 1 of the submissions does not count toward it. Last evaluated 2022-05-27.

Conditions:
DYRK1B-related disorder. Also called: DYRK1B-related condition.

Allele frequency attached by ClinVar (database versions not stated): ExAC 0.00001; gnomAD exomes 0.00001; TOPMed 0.00001; gnomAD 0.00002.
gnomAD v4.1: 23 of 1,613,986 alleles (0.0014%); highest among the groups gnomAD compares: Non-Finnish European, 0.0019%; no homozygotes.

Submissions (2):

Labcorp Genetics (formerly Invitae), Labcorp
Classification: Likely benign. Last evaluated: 2022-05-27. Review status: criteria provided, single submitter. Criteria: Invitae Variant Classification Sherloc (09022015). Collection method: clinical testing. Allele origin: germline.

PreventionGenetics, part of Exact Sciences
Classification: Likely benign for DYRK1B-related condition. Last evaluated: 2024-05-07. Review status: no assertion criteria provided. Collection method: clinical testing. Allele origin: germline. Not counted in ClinVar's aggregate classification.
Comment: This variant is classified as likely benign based on ACMG/AMP sequence variant interpretation guidelines (Richards et al. 2015 PMID: 25741868, with internal and published modifications).